The following is an entry in ClinVar:

ClinVar aggregate classification (germline): Uncertain significance (1 of 4 stars; one submission).

Allele frequency attached by ClinVar (database versions not stated): gnomAD 0.00001; TOPMed 0.00001.
gnomAD v4.1: 2 of 1,614,038 alleles (0.00012%); highest among the groups gnomAD compares: East Asian, 0.0022%; no homozygotes.

Submission:

Labcorp Genetics (formerly Invitae), Labcorp
Classification: Uncertain significance. Last evaluated: 2022-08-09. Review status: criteria provided, single submitter. Criteria: Invitae Variant Classification Sherloc (09022015). Collection method: clinical testing. Allele origin: germline.
Comment: This sequence change replaces methionine, which is neutral and non-polar, with valine, which is neutral and non-polar, at codon 578 of the FAM111A protein (p.Met578Val). This variant is not present in population databases (gnomAD no frequency). This variant has not been reported in the literature in individuals affected with FAM111A-related conditions. Algorithms developed to predict the effect of missense changes on protein structure and function output the following: SIFT: "Deleterious"; PolyPhen-2: "Benign"; Align-GVGD: "Class C0". The valine amino acid residue is found in multiple mammalian species, which suggests that this missense change does not adversely affect protein function. In summary, the available evidence is currently insufficient to determine the role of this variant in disease. Therefore, it has been classified as a Variant of Uncertain Significance.

NM_001312909.2(FAM111A):c.1732A>G (p.Met578Val)

Gene: FAM111A (FAM111 trypsin like peptidase A; plus strand). Cytogenetic location: 11q12.1.
Variant type: single nucleotide variant.
Coding change: c.1732A>G on transcript NM_001312909.2 (MANE Select); coding-DNA position 1732, A replaced by G.
Protein change: p.Met578Val; replaces methionine 578 with valine.
Molecular consequence: missense variant.
Genome position (GRCh38, 1-based): chr11:59,153,400, A>G. VCF-style: chr11-59153400-A-G. GRCh37 (hg19) VCF-style: chr11-58920873-A-G.
Other names: c.1732A>G, p.Met578Val (NM_001142519.3, NM_001142520.3, NM_001142521.3 and 29 more transcripts); short protein forms M578V.
Identifiers: ClinVar variation 2058996 (VCV002058996.4), dbSNP rs1381140235, ClinGen allele CA380790078.